The following is an entry in ClinVar:

ClinVar aggregate classification (germline): Uncertain significance (1 of 4 stars; one submission).

Conditions:
Inborn genetic diseases. Identifiers: MedGen C0950123, MeSH D030342.

Submission:

Ambry Genetics
Classification: Uncertain significance for Inborn genetic diseases. Last evaluated: 2026-09-14. Review status: criteria provided, single submitter. Criteria: Ambry Variant Classification Scheme 2023. Collection method: clinical testing. Allele origin: germline.
Comment: The c.7256T>A (p.M2419K) alteration is located in exon 16 (coding exon 15) of the ACAN gene. This alteration results from a T to A substitution at nucleotide position 7256, causing the methionine (M) at amino acid position 2419 to be replaced by a lysine (K). This variant was not reported in population-based cohorts in the Genome Aggregation Database (gnomAD). This amino acid position is highly conserved in available vertebrate species. The in silico prediction for this alteration is inconclusive. Based on insufficient or conflicting evidence, the clinical significance of this alteration remains unclear.

NM_001369268.1(ACAN):c.7370T>A (p.Met2457Lys)

Gene: ACAN (aggrecan; plus strand). Cytogenetic location: 15q26.1.
Variant type: single nucleotide variant.
Coding change: c.7370T>A on transcript NM_001369268.1 (MANE Select); coding-DNA position 7370, T replaced by A.
Protein change: p.Met2457Lys; replaces methionine 2457 with lysine.
Molecular consequence: missense variant.
Genome position (GRCh38, 1-based): chr15:88,872,948, T>A. VCF-style: chr15-88872948-T-A. GRCh37 (hg19) VCF-style: chr15-89416179-T-A.
Other names: c.7142T>A, p.Met2381Lys (NM_001135.4); c.7256T>A, p.Met2419Lys (NM_013227.4); short protein forms M2381K, M2419K, M2457K.
Identifiers: ClinVar variation 985339 (VCV000985339.5), dbSNP rs1897418219, ClinGen allele CA393730457.